The following is an entry in ClinVar:

ClinVar aggregate classification (germline): Uncertain significance. Review status: criteria provided, multiple submitters, no conflicts (2 of 4 stars). 3 submissions from 3 submitters: Uncertain significance (3). Last evaluated 2024-02-15.

Conditions:
Inborn genetic diseases. Identifiers: MedGen C0950123, MeSH D030342.

Allele frequency attached by ClinVar (database versions not stated): ExAC 0.00002; TOPMed 0.00002; gnomAD 0.00003.
gnomAD v4.1: 53 of 1,613,828 alleles (0.0033%); highest among the groups gnomAD compares: Non-Finnish European, 0.0041%; no homozygotes.

Submissions (3):

Labcorp Genetics (formerly Invitae), Labcorp
Classification: Uncertain significance. Last evaluated: 2024-02-15. Review status: criteria provided, single submitter. Criteria: Invitae Variant Classification Sherloc (09022015). Collection method: clinical testing. Allele origin: germline.
Comment: This sequence change replaces alanine, which is neutral and non-polar, with threonine, which is neutral and polar, at codon 541 of the TSPEAR protein (p.Ala541Thr). This variant is present in population databases (rs782022725, gnomAD 0.003%). This variant has not been reported in the literature in individuals affected with TSPEAR-related conditions. ClinVar contains an entry for this variant (Variation ID: 2356883). Advanced modeling of protein sequence and biophysical properties (such as structural, functional, and spatial information, amino acid conservation, physicochemical variation, residue mobility, and thermodynamic stability) has been performed at Invitae for this missense variant, however the output from this modeling did not meet the statistical confidence thresholds required to predict the impact of this variant on TSPEAR protein function. In summary, the available evidence is currently insufficient to determine the role of this variant in disease. Therefore, it has been classified as a Variant of Uncertain Significance.

Ambry Genetics
Classification: Uncertain significance for Inborn genetic diseases. Last evaluated: 2022-10-26. Review status: criteria provided, single submitter. Criteria: Ambry Variant Classification Scheme 2023. Collection method: clinical testing. Allele origin: germline.

Blueprint Genetics
Classification: Uncertain significance. Last evaluated: 2021-06-03. Review status: criteria provided, single submitter. Criteria: ACMG Guidelines, 2015. Collection method: clinical testing. Allele origin: germline.

NM_144991.3(TSPEAR):c.1621G>A (p.Ala541Thr)

Genes: TSPEAR (thrombospondin type laminin G domain and EAR repeats; minus strand), TSPEAR-AS1 (TSPEAR antisense RNA 1; plus strand), LOC126653398 (CDK7 strongly-dependent group 2 enhancer GRCh37_chr21:45928270-45929469; plus strand). Cytogenetic location: 21q22.3.
Variant type: single nucleotide variant.
Coding change: c.1621G>A on transcript NM_144991.3 (MANE Select); coding-DNA position 1621, G replaced by A.
Protein change: p.Ala541Thr; replaces alanine 541 with threonine.
Molecular consequence: missense variant. On other transcripts: non-coding transcript variant (1).
Genome position (GRCh38, 1-based): chr21:44,509,332, C>T on the plus strand (G>A on the coding strand, the complement: TSPEAR is on the minus strand). VCF-style: chr21-44509332-C-T. GRCh37 (hg19) VCF-style: chr21-45929215-C-T.
Other names: c.1417G>A, p.Ala473Thr (NM_001272037.2); short protein forms A473T, A541T.
Identifiers: ClinVar variation 2356883 (VCV002356883.5), dbSNP rs782022725, ClinGen allele CA10056436.